The following is an entry in ClinVar:

NM_001042492.3(NF1):c.1291G>A (p.Ala431Thr)

Gene: NF1 (neurofibromin 1; plus strand). Cytogenetic location: 17q11.2.
Variant type: single nucleotide variant.
Coding change: c.1291G>A on transcript NM_001042492.3 (MANE Select); coding-DNA position 1291, G replaced by A.
Protein change: p.Ala431Thr; replaces alanine 431 with threonine.
Molecular consequence: missense variant.
Genome position (GRCh38, 1-based): chr17:31,206,270, G>A. VCF-style: chr17-31206270-G-A. GRCh37 (hg19) VCF-style: chr17-29533288-G-A.
Other names: c.1291G>A, p.Ala431Thr (NM_000267.4, NM_001128147.3); short protein forms A431T.
Identifiers: ClinVar variation 1023534 (VCV001023534.7), dbSNP rs2066619337, ClinGen allele CA398999226.

ClinVar aggregate classification (germline): Uncertain significance. Review status: criteria provided, multiple submitters, no conflicts (2 of 4 stars). 2 submissions from 2 submitters: Uncertain significance (2). Last evaluated 2024-05-06.

Conditions:
Cardiovascular phenotype. Identifiers: MedGen CN230736.
Hereditary cancer-predisposing syndrome. Also called: Hereditary neoplastic syndrome; Neoplastic Syndromes, Hereditary; Tumor predisposition; Hereditary Cancer Syndrome. Identifiers: Orphanet 140162, MedGen C0027672, MeSH D009386, MONDO:0015356.
Neurofibromatosis, type 1 (NF1). Also called: Peripheral type neurofibromatosis; Neurofibromatosis, type I; VON RECKLINGHAUSEN DISEASE; NEUROFIBROMATOSIS, TYPE I, SOMATIC. Identifiers: Orphanet 636, MedGen C0027831, MONDO:0018975, OMIM 162200. Disease mechanism: loss of function.

Allele frequency attached by ClinVar (database versions not stated): gnomAD exomes below 0.00001.
gnomAD v4.1: 1 of 1,613,870 alleles (0.000062%); highest among the groups gnomAD compares: Non-Finnish European, 0.000085%; no homozygotes.

Submissions (2):

Labcorp Genetics (formerly Invitae), Labcorp
Classification: Uncertain significance for Neurofibromatosis, type 1. Last evaluated: 2024-05-06. Review status: criteria provided, single submitter. Criteria: Invitae Variant Classification Sherloc (09022015). Collection method: clinical testing. Allele origin: germline.
Comment: This sequence change replaces alanine, which is neutral and non-polar, with threonine, which is neutral and polar, at codon 431 of the NF1 protein (p.Ala431Thr). This variant is not present in population databases (gnomAD no frequency). This variant has not been reported in the literature in individuals affected with NF1-related conditions. ClinVar contains an entry for this variant (Variation ID: 1023534). Advanced modeling of protein sequence and biophysical properties (such as structural, functional, and spatial information, amino acid conservation, physicochemical variation, residue mobility, and thermodynamic stability) performed at Invitae indicates that this missense variant is not expected to disrupt NF1 protein function with a negative predictive value of 95%. In summary, the available evidence is currently insufficient to determine the role of this variant in disease. Therefore, it has been classified as a Variant of Uncertain Significance.

Ambry Genetics
Classification: Uncertain significance for Cardiovascular phenotype; Hereditary cancer-predisposing syndrome. Last evaluated: 2021-04-14. Review status: criteria provided, single submitter. Criteria: Ambry Variant Classification Scheme 2023. Collection method: clinical testing. Allele origin: germline.
Comment: The p.A431T variant (also known as c.1291G>A), located in coding exon 12 of the NF1 gene, results from a G to A substitution at nucleotide position 1291. The alanine at codon 431 is replaced by threonine, an amino acid with similar properties. This amino acid position is highly conserved in available vertebrate species. In addition, the in silico prediction for this alteration is inconclusive. Since supporting evidence is limited at this time, the clinical significance of this alteration remains unclear.